The following is an entry in ClinVar:

ClinVar aggregate classification (germline): Conflicting classifications of pathogenicity. Review status: criteria provided, conflicting classifications (1 of 4 stars). 3 submissions from 3 submitters: Uncertain significance (2); Likely benign (1). Last evaluated 2026-01-27.

Conditions:
SLC10A1-related disorder. Also called: SLC10A1-related condition.

Allele frequency attached by ClinVar (database versions not stated): ExAC 0.00001; gnomAD exomes 0.00003; TOPMed 0.00006; ESP Exome Variant Server 0.00008; gnomAD 0.00010 and 0.00011.
gnomAD v4.1: 90 of 1,613,810 alleles (0.0056%); highest among the groups gnomAD compares: East Asian, 0.045%; no homozygotes.

Submissions (3):

PreventionGenetics, part of Exact Sciences
Classification: Uncertain significance for SLC10A1-related condition. Last evaluated: 2026-01-27. Review status: criteria provided, single submitter. Criteria: ACMG Guidelines, 2015. Collection method: clinical testing. Allele origin: germline.
Comment: The SLC10A1 c.553C>T variant is predicted to result in the amino acid substitution p.Arg185Cys. To our knowledge, this variant has not been reported in the literature. This variant is reported in 0.010% of alleles in individuals of East Asian descent in gnomAD. At this time, the clinical significance of this variant is uncertain due to the absence of conclusive functional and genetic evidence.

Mayo Clinic Laboratories, Mayo Clinic
Classification: Likely benign. Last evaluated: 2025-02-11. Review status: criteria provided, single submitter. Criteria: ACMG Guidelines, 2015. Collection method: clinical testing. Allele origin: germline. Observed: 1 variant allele.
Comment: BS3, BP4_moderate

Eurofins Ntd Llc (ga)
Classification: Uncertain significance. Last evaluated: 2018-07-19. Review status: criteria provided, single submitter. Criteria: EGL ClinVar v180209 classification definitions. Collection method: clinical testing. Allele origin: germline. Observed: 1 variant allele, 1 heterozygote.

Literature cited by the submitters: PubMed 35806468 (cited by Mayo Clinic Laboratories, Mayo Clinic).

NM_003049.4(SLC10A1):c.553C>T (p.Arg185Cys)

Gene: SLC10A1 (solute carrier family 10 member 1; minus strand). Cytogenetic location: 14q24.1.
Variant type: single nucleotide variant.
Coding change: c.553C>T on transcript NM_003049.4 (MANE Select); coding-DNA position 553, C replaced by T.
Protein change: p.Arg185Cys; replaces arginine 185 with cysteine.
Molecular consequence: missense variant.
Genome position (GRCh38, 1-based): chr14:69,786,111, G>A on the plus strand (C>T on the coding strand, the complement: SLC10A1 is on the minus strand). VCF-style: chr14-69786111-G-A. GRCh37 (hg19) VCF-style: chr14-70252828-G-A.
Other names: p.Arg185Cys; c.553C>T (NM_003049.3); short protein forms R185C.
Identifiers: ClinVar variation 598098 (VCV000598098.7), dbSNP rs200149939, ClinGen allele CA7246130.